The following is an entry in ClinVar:

NM_000197.2(HSD17B3):c.541_554dup (p.Ser185_Gly186insTer)

Genes: HSD17B3 (hydroxysteroid 17-beta dehydrogenase 3; minus strand), SLC35D2-HSD17B3 (SLC35D2-HSD17B3 readthrough; minus strand). Cytogenetic location: 9q22.32.
Variant type: Duplication.
Coding change: c.541_554dup on transcript NM_000197.2 (MANE Select); coding-DNA positions 541 to 554, 14 bases duplicated (CTGAACATTTCTTC).
Protein change: p.Ser185_Gly186insTer.
Molecular consequence: nonsense, inframe insertion. On other transcripts: non-coding transcript variant (1).
Genome position (GRCh38, 1-based): chr9:96,245,397-96,245,410, GAAGAAATGTTCAG duplicated on the plus strand (CTGAACATTTCTTC on the coding strand, the reverse complement: HSD17B3 is on the minus strand); duplicating any 14 consecutive bases within chr9:96,245,397-96,245,412 gives the same sequence; the c. name uses the placement nearest the transcript's 3' end. VCF-style (leftmost placement, unchanged base first): chr9-96245396-A-AGAAGAAATGTTCAG. GRCh37 (hg19) VCF-style: chr9-99007678-A-AGAAGAAATGTTCAG.
Identifiers: ClinVar variation 2785248 (VCV002785248.3), dbSNP rs2490066358, ClinGen allele CA2690816747.

ClinVar aggregate classification (germline): Pathogenic (1 of 4 stars; one submission).

Submission:

Labcorp Genetics (formerly Invitae), Labcorp
Classification: Pathogenic. Last evaluated: 2024-01-30. Review status: criteria provided, single submitter. Criteria: Invitae Variant Classification Sherloc (09022015). Collection method: clinical testing. Allele origin: germline.
Comment: This sequence change creates a premature translational stop signal (p.Gly186*) in the HSD17B3 gene. It is expected to result in an absent or disrupted protein product. Loss-of-function variants in HSD17B3 are known to be pathogenic (PMID: 23796702, 25740850). This variant is not present in population databases (gnomAD no frequency). This variant has not been reported in the literature in individuals affected with HSD17B3-related conditions. For these reasons, this variant has been classified as Pathogenic.

Literature cited by the submitters: PubMed 23796702; PubMed 25740850.